The following is an entry in ClinVar:

NM_001184.4(ATR):c.7225T>C (p.Cys2409Arg)

Gene: ATR (ATR checkpoint kinase; minus strand). Cytogenetic location: 3q23.
Variant type: single nucleotide variant.
Coding change: c.7225T>C on transcript NM_001184.4 (MANE Select); coding-DNA position 7225, T replaced by C.
Protein change: p.Cys2409Arg; replaces cysteine 2409 with arginine.
Molecular consequence: missense variant.
Genome position (GRCh38, 1-based): chr3:142,459,351, A>G on the plus strand (T>C on the coding strand, the complement: ATR is on the minus strand). VCF-style: chr3-142459351-A-G. GRCh37 (hg19) VCF-style: chr3-142178193-A-G.
Other names: c.7033T>C, p.Cys2345Arg (NM_001354579.2); short protein forms C2409R, C2345R.
Identifiers: ClinVar variation 2561368 (VCV002561368.4), dbSNP rs2108261933, ClinGen allele CA354798086.

ClinVar aggregate classification (germline): Uncertain significance. Review status: criteria provided, multiple submitters, no conflicts (2 of 4 stars). 2 submissions from 2 submitters: Uncertain significance (2). Last evaluated 2024-08-06.

Conditions:
Inborn genetic diseases. Identifiers: MedGen C0950123, MeSH D030342.

Allele frequency attached by ClinVar (database versions not stated): gnomAD exomes 0.00001.
gnomAD v4.1: 12 of 1,614,012 alleles (0.00074%); highest among the groups gnomAD compares: Non-Finnish European, 0.001%; no homozygotes.

Submissions (2):

Labcorp Genetics (formerly Invitae), Labcorp
Classification: Uncertain significance. Last evaluated: 2024-08-06. Review status: criteria provided, single submitter. Criteria: Invitae Variant Classification Sherloc (09022015). Collection method: clinical testing. Allele origin: germline.
Comment: This sequence change replaces cysteine, which is neutral and slightly polar, with arginine, which is basic and polar, at codon 2409 of the ATR protein (p.Cys2409Arg). This variant is not present in population databases (gnomAD no frequency). This variant has not been reported in the literature in individuals affected with ATR-related conditions. ClinVar contains an entry for this variant (Variation ID: 2561368). An algorithm developed to predict the effect of missense changes on protein structure and function (PolyPhen-2) suggests that this variant is likely to be disruptive. In summary, the available evidence is currently insufficient to determine the role of this variant in disease. Therefore, it has been classified as a Variant of Uncertain Significance.

Ambry Genetics
Classification: Uncertain significance for Inborn genetic diseases. Last evaluated: 2023-03-19. Review status: criteria provided, single submitter. Criteria: Ambry Variant Classification Scheme 2023. Collection method: clinical testing. Allele origin: germline.
Comment: The p.C2409R variant (also known as c.7225T>C), located in coding exon 43 of the ATR gene, results from a T to C substitution at nucleotide position 7225. The cysteine at codon 2409 is replaced by arginine, an amino acid with highly dissimilar properties. This amino acid position is conserved. In addition, this alteration is predicted to be tolerated by in silico analysis. Since supporting evidence is limited at this time, the clinical significance of this alteration remains unclear.